The following is an entry in ClinVar:

NM_001148.6(ANK2):c.5198C>T (p.Ser1733Leu)

Genes: ANK2 (ankyrin 2; plus strand), LOC126807136 (MED14-independent group 3 enhancer GRCh37_chr4:114274931-114276130; plus strand). Cytogenetic location: 4q26.
Variant type: single nucleotide variant.
Coding change: c.5198C>T on transcript NM_001148.6 (MANE Select); coding-DNA position 5198, C replaced by T.
Protein change: p.Ser1733Leu; replaces serine 1733 with leucine.
Molecular consequence: missense variant. On other transcripts: intron variant (68).
Genome position (GRCh38, 1-based): chr4:113,353,816, C>T. VCF-style: chr4-113353816-C-T. GRCh37 (hg19) VCF-style: chr4-114274972-C-T.
Other names: c.4042+3567C>T (NM_001354277.2, NM_001386157.1); c.4360+3567C>T (NM_001386161.1, NM_001354244.2, NM_001354256.2); c.4285+3567C>T (NM_001354261.2); c.4165+3567C>T (NM_001386156.1, NM_001354257.2); c.4261+3567C>T (NM_001354264.2); c.4240+3567C>T (NM_001354267.2, NM_001386162.1, NM_001354249.2 and 2 more transcripts); c.4141+3567C>T (NM_001354271.2, NM_001386151.1, NM_001354260.2); c.3943+3567C>T (NM_001386158.1); and 35 more; short protein forms S1655L, S1733L, S1772L, S1780L, S533L.
Identifiers: ClinVar variation 3644571 (VCV003644571.2).
Genomic context (GRCh38, chr4:113,353,816, plus strand): 5'-AACAAAAAGAGGAAGGTTTACAAGCTAGTGCAGAGAAAGCTGAACTTAAAAAAGGTAGTT[C>T]AGAAGAGTCATTAGGTGAAGACCCAGGTTTAGCCCCTGAACCCCTTCCCACTGTCAAGGC-3'
Protein context (NP_001139.3, residues 1723-1743): AEKAELKKGS[Ser1733Leu]EESLGEDPGL

ClinVar aggregate classification (germline): Uncertain significance (1 of 4 stars; one submission).

Conditions:
Long QT syndrome (LQTS). Identifiers: MedGen C0023976, MeSH D008133, MONDO:0002442. Disease mechanism: loss of function. Inheritance: Various modes of inheritance.

Submission:

Labcorp Genetics (formerly Invitae), Labcorp
Classification: Uncertain significance for Long QT syndrome. Last evaluated: 2024-03-05. Review status: criteria provided, single submitter. Criteria: Invitae Variant Classification Sherloc (09022015). Collection method: clinical testing. Allele origin: germline.
Comment: This sequence change replaces serine, which is neutral and polar, with leucine, which is neutral and non-polar, at codon 1733 of the ANK2 protein (p.Ser1733Leu). This variant is not present in population databases (gnomAD no frequency). This variant has not been reported in the literature in individuals affected with ANK2-related conditions. Advanced modeling of protein sequence and biophysical properties (such as structural, functional, and spatial information, amino acid conservation, physicochemical variation, residue mobility, and thermodynamic stability) performed at Invitae indicates that this missense variant is not expected to disrupt ANK2 protein function with a negative predictive value of 80%. In summary, the available evidence is currently insufficient to determine the role of this variant in disease. Therefore, it has been classified as a Variant of Uncertain Significance.